The following is an entry in ClinVar:

NM_001134363.3(RBM20):c.3332T>C (p.Val1111Ala)

Gene: RBM20 (RNA binding motif protein 20; plus strand). Cytogenetic location: 10q25.2.
Variant type: single nucleotide variant.
Coding change: c.3332T>C on transcript NM_001134363.3 (MANE Select); coding-DNA position 3332, T replaced by C.
Protein change: p.Val1111Ala; replaces valine 1111 with alanine.
Molecular consequence: missense variant.
Genome position (GRCh38, 1-based): chr10:110,823,495, T>C. VCF-style: chr10-110823495-T-C. GRCh37 (hg19) VCF-style: chr10-112583253-T-C.
Other names: short protein forms V1111A.
Identifiers: ClinVar variation 1062537 (VCV001062537.9), dbSNP rs2135125770, ClinGen allele CA378383428.

ClinVar aggregate classification (germline): Uncertain significance (1 of 4 stars; one submission).

Conditions:
Dilated cardiomyopathy 1DD (CMD1DD). Identifiers: Orphanet 154, MedGen C2750995, MONDO:0013168, OMIM 613172.

Allele frequency attached by ClinVar (database versions not stated): gnomAD exomes below 0.00001.

Submission:

Labcorp Genetics (formerly Invitae), Labcorp
Classification: Uncertain significance for Dilated cardiomyopathy 1DD. Last evaluated: 2024-10-14. Review status: criteria provided, single submitter. Criteria: Invitae Variant Classification Sherloc (09022015). Collection method: clinical testing. Allele origin: germline.
Comment: This sequence change replaces valine, which is neutral and non-polar, with alanine, which is neutral and non-polar, at codon 1111 of the RBM20 protein (p.Val1111Ala). This variant is not present in population databases (gnomAD no frequency). This variant has not been reported in the literature in individuals affected with RBM20-related conditions. ClinVar contains an entry for this variant (Variation ID: 1062537). Invitae Evidence Modeling of protein sequence and biophysical properties (such as structural, functional, and spatial information, amino acid conservation, physicochemical variation, residue mobility, and thermodynamic stability) indicates that this missense variant is not expected to disrupt RBM20 protein function with a negative predictive value of 95%. In summary, the available evidence is currently insufficient to determine the role of this variant in disease. Therefore, it has been classified as a Variant of Uncertain Significance.